The following is an entry in ClinVar:

NM_000321.3(RB1):c.1339A>T (p.Lys447Ter)

Gene: RB1 (RB transcriptional corepressor 1; plus strand). Cytogenetic location: 13q14.2.
Variant type: single nucleotide variant.
Coding change: c.1339A>T on transcript NM_000321.3 (MANE Select); coding-DNA position 1339, A replaced by T.
Protein change: p.Lys447Ter; replaces lysine 447 with a stop codon.
Molecular consequence: nonsense.
Genome position (GRCh38, 1-based): chr13:48,379,600, A>T. VCF-style: chr13-48379600-A-T. GRCh37 (hg19) VCF-style: chr13-48953736-A-T.
Other names: c.1339A>T, p.Lys447Ter (NM_001407165.1, NM_001407166.1); short protein forms K447*.
Identifiers: ClinVar variation 2736026 (VCV002736026.3), dbSNP rs2138140795, ClinGen allele CA388162544.

ClinVar aggregate classification (germline): Pathogenic (1 of 4 stars; one submission).

Conditions:
Retinoblastoma (RB1). Also called: RETINOBLASTOMA, SOMATIC. Identifiers: Orphanet 790, MedGen C0035335, MeSH D012175, MONDO:0008380, OMIM 180200, HP:0009919. Disease mechanism: loss of function. Inheritance: Both sporadic and heritable forms are tested..

Submission:

Labcorp Genetics (formerly Invitae), Labcorp
Classification: Pathogenic for Retinoblastoma. Last evaluated: 2022-12-15. Review status: criteria provided, single submitter. Criteria: Invitae Variant Classification Sherloc (09022015). Collection method: clinical testing. Allele origin: germline.
Comment: This sequence change creates a premature translational stop signal (p.Lys447*) in the RB1 gene. It is expected to result in an absent or disrupted protein product. Loss-of-function variants in RB1 are known to be pathogenic (PMID: 17096365). This variant is not present in population databases (gnomAD no frequency). This premature translational stop signal has been observed in individual(s) with retinoblastoma (PMID: 11333669). For these reasons, this variant has been classified as Pathogenic.

Literature cited by the submitters: PubMed 17096365; PubMed 11333669.